The following is an entry in ClinVar:

NM_021927.3(GUF1):c.1484G>A (p.Arg495Gln)

Gene: GUF1 (GTP binding elongation factor GUF1; plus strand). Cytogenetic location: 4p12.
Variant type: single nucleotide variant.
Coding change: c.1484G>A on transcript NM_021927.3 (MANE Select); coding-DNA position 1484, G replaced by A.
Protein change: p.Arg495Gln; replaces arginine 495 with glutamine.
Molecular consequence: missense variant.
Genome position (GRCh38, 1-based): chr4:44,691,670, G>A. VCF-style: chr4-44691670-G-A. GRCh37 (hg19) VCF-style: chr4-44693687-G-A.
Other names: c.1484G>A (NM_021927.2); c.512G>A, p.Arg171Gln (NM_001345867.2, NM_001345869.2); c.1484G>A, p.Arg495Gln (NM_001345868.2); short protein forms R495Q, R171Q.
Identifiers: ClinVar variation 1368060 (VCV001368060.7), dbSNP rs1324472268, ClinGen allele CA356764060.

ClinVar aggregate classification (germline): Uncertain significance. Review status: criteria provided, multiple submitters, no conflicts (2 of 4 stars). 2 submissions from 2 submitters: Uncertain significance (2). Last evaluated 2024-09-17.

Allele frequency attached by ClinVar (database versions not stated): gnomAD 0.00001; gnomAD exomes 0.00001 and 0.00002; TOPMed 0.00002.

Submissions (2):

Labcorp Genetics (formerly Invitae), Labcorp
Classification: Uncertain significance. Last evaluated: 2024-09-17. Review status: criteria provided, single submitter. Criteria: Invitae Variant Classification Sherloc (09022015). Collection method: clinical testing. Allele origin: germline.
Comment: This sequence change replaces arginine, which is basic and polar, with glutamine, which is neutral and polar, at codon 495 of the GUF1 protein (p.Arg495Gln). This variant is present in population databases (no rsID available, gnomAD 0.01%). This variant has not been reported in the literature in individuals affected with GUF1-related conditions. ClinVar contains an entry for this variant (Variation ID: 1368060). Invitae Evidence Modeling of protein sequence and biophysical properties (such as structural, functional, and spatial information, amino acid conservation, physicochemical variation, residue mobility, and thermodynamic stability) indicates that this missense variant is not expected to disrupt GUF1 protein function with a negative predictive value of 80%. Algorithms developed to predict the effect of sequence changes on RNA splicing suggest that this variant may disrupt the consensus splice site. In summary, the available evidence is currently insufficient to determine the role of this variant in disease. Therefore, it has been classified as a Variant of Uncertain Significance.

Ambry Genetics
Classification: Uncertain significance. Last evaluated: 2023-05-17. Review status: criteria provided, single submitter. Criteria: Ambry Variant Classification Scheme 2023. Collection method: clinical testing. Allele origin: germline.